The following is an entry in ClinVar:

NM_182760.4(SUMF1):c.13G>A (p.Ala5Thr)

Gene: SUMF1 (sulfatase modifying factor 1; minus strand). Cytogenetic location: 3p26.1.
Variant type: single nucleotide variant.
Coding change: c.13G>A on transcript NM_182760.4 (MANE Select); coding-DNA position 13, G replaced by A.
Protein change: p.Ala5Thr; replaces alanine 5 with threonine.
Molecular consequence: missense variant.
Genome position (GRCh38, 1-based): chr3:4,467,233, C>T on the plus strand (G>A on the coding strand, the complement: SUMF1 is on the minus strand). VCF-style: chr3-4467233-C-T. GRCh37 (hg19) VCF-style: chr3-4508917-C-T.
Other names: c.13G>A, p.Ala5Thr (NM_001164675.2, NM_001164674.2); short protein forms A5T.
Identifiers: ClinVar variation 1034414 (VCV001034414.1), dbSNP rs1225993664, ClinGen allele CA351794729.

ClinVar aggregate classification (germline): Uncertain significance (1 of 4 stars; one submission).

Conditions:
Multiple sulfatase deficiency (MSD). Also called: Multiple Sulfatase Deficiency Disease; Sulfatidosis, Juvenile, Austin Type; Mucosulfatidosis. Identifiers: Orphanet 585, MedGen C0268263, MONDO:0010088, OMIM 272200.

gnomAD v4.1: 2 of 1,609,234 alleles (0.00012%); highest among the groups gnomAD compares: Middle Eastern, 0.017%; no homozygotes.

Submission:

Baylor Genetics
Classification: Uncertain significance for Multiple sulfatase deficiency. Last evaluated: 2018-12-07. Review status: criteria provided, single submitter. Criteria: ACMG Guidelines, 2015. Collection method: clinical testing. Allele origin: maternal. Affected: yes.
Comment: This variant was determined to be of uncertain significance according to ACMG Guidelines, 2015 [PMID:25741868].